The following is an entry in ClinVar:

ClinVar aggregate classification (germline): Uncertain significance. Review status: criteria provided, multiple submitters, no conflicts (2 of 4 stars). 2 submissions from 2 submitters: Uncertain significance (2). Last evaluated 2025-08-07.

Conditions:
Hereditary cancer-predisposing syndrome. Also called: Hereditary neoplastic syndrome; Neoplastic Syndromes, Hereditary; Tumor predisposition; Hereditary Cancer Syndrome. Identifiers: Orphanet 140162, MedGen C0027672, MeSH D009386, MONDO:0015356.
Microcephaly, normal intelligence and immunodeficiency (NBS). Also called: IMMUNODEFICIENCY, MICROCEPHALY, AND CHROMOSOMAL INSTABILITY; SEEMANOVA SYNDROME II; Nijmegen breakage syndrome; Microcephaly with normal intelligence immunodeficiency and lymphoreticular malignancies; Nonsyndromal microcephaly autosomal recessive with normal intelligence; Seemanova syndrome 2. Identifiers: Orphanet 647, MedGen C0398791, MONDO:0009623, OMIM 251260.

gnomAD v4.1: 1 of 1,605,738 alleles (0.000062%); highest among the groups gnomAD compares: Non-Finnish European, 0.000085%; no homozygotes.

Submissions (2):

Labcorp Genetics (formerly Invitae), Labcorp
Classification: Uncertain significance for Microcephaly, normal intelligence and immunodeficiency. Last evaluated: 2025-08-07. Review status: criteria provided, single submitter. Criteria: Invitae Variant Classification Sherloc (09022015). Collection method: clinical testing. Allele origin: germline.
Comment: This sequence change replaces valine, which is neutral and non-polar, with isoleucine, which is neutral and non-polar, at codon 184 of the NBN protein (p.Val184Ile). This variant is not present in population databases (gnomAD no frequency). This variant has not been reported in the literature in individuals affected with NBN-related conditions. ClinVar contains an entry for this variant (Variation ID: 461573). An algorithm developed to predict the effect of missense changes on protein structure and function outputs the following: PolyPhen-2: "Benign". The isoleucine amino acid residue is found in multiple mammalian species, which suggests that this missense change does not adversely affect protein function. In summary, the available evidence is currently insufficient to determine the role of this variant in disease. Therefore, it has been classified as a Variant of Uncertain Significance.

Ambry Genetics
Classification: Uncertain significance for Hereditary cancer-predisposing syndrome. Last evaluated: 2021-06-07. Review status: criteria provided, single submitter. Criteria: Ambry Variant Classification Scheme 2023. Collection method: clinical testing. Allele origin: germline.
Comment: The p.V184I variant (also known as c.550G>A), located in coding exon 5 of the NBN gene, results from a G to A substitution at nucleotide position 550. The valine at codon 184 is replaced by isoleucine, an amino acid with highly similar properties. This amino acid position is not well conserved in available vertebrate species. In addition, this alteration is predicted to be tolerated by in silico analysis. Since supporting evidence is limited at this time, the clinical significance of this alteration remains unclear.

NM_002485.5(NBN):c.550G>A (p.Val184Ile)

Gene: NBN (nibrin; minus strand). Cytogenetic location: 8q21.3.
Variant type: single nucleotide variant.
Coding change: c.550G>A on transcript NM_002485.5 (MANE Select); coding-DNA position 550, G replaced by A.
Protein change: p.Val184Ile; replaces valine 184 with isoleucine.
Molecular consequence: missense variant.
Genome position (GRCh38, 1-based): chr8:89,978,254, C>T on the plus strand (G>A on the coding strand, the complement: NBN is on the minus strand). VCF-style: chr8-89978254-C-T. GRCh37 (hg19) VCF-style: chr8-90990482-C-T.
Other names: c.304G>A, p.Val102Ile (NM_001024688.3); short protein forms V184I, V102I.
Identifiers: ClinVar variation 461573 (VCV000461573.11), dbSNP rs1554566641, ClinGen allele CA371660218.